The following is an entry in ClinVar:

NM_004360.5(CDH1):c.2505T>G (p.Tyr835Ter)

Gene: CDH1 (cadherin 1; plus strand). Cytogenetic location: 16q22.1.
Variant type: single nucleotide variant.
Coding change: c.2505T>G on transcript NM_004360.5 (MANE Select); coding-DNA position 2505, T replaced by G.
Protein change: p.Tyr835Ter; replaces tyrosine 835 with a stop codon.
Molecular consequence: nonsense.
Genome position (GRCh38, 1-based): chr16:68,833,355, T>G. VCF-style: chr16-68833355-T-G. GRCh37 (hg19) VCF-style: chr16-68867258-T-G.
Other names: NM_004360.5(CDH1):c.2505T>G; p.Tyr835Ter; c.2322T>G, p.Tyr774Ter (NM_001317184.2); c.957T>G, p.Tyr319Ter (NM_001317185.2); c.540T>G, p.Tyr180Ter (NM_001317186.2); short protein forms Y835*, Y319*, Y774*, Y180*.
Identifiers: ClinVar variation 921477 (VCV000921477.4), dbSNP rs786202613, ClinGen allele CA396472208.
Genomic context (GRCh38, chr16:68,833,355, plus strand): 5'-GAAAGCGGCTGATACTGACCCCACAGCCCCGCCTTATGATTCTCTGCTCGTGTTTGACTA[T>G]GAAGGAAGCGGTTCCGAAGCTGCTAGTCTGAGCTCCCTGAACTCCTCAGAGTCAGACAAA-3'

ClinVar aggregate classification (germline): Likely pathogenic. Review status: reviewed by expert panel (3 of 4 stars). 3 submissions from 3 submitters: Likely pathogenic (1). 2 of the submissions do not count toward it. Last evaluated 2023-08-04.

Conditions:
Hereditary diffuse gastric adenocarcinoma (HDGC). Also called: DIFFUSE GASTRIC AND LOBULAR BREAST CANCER SYNDROME. Identifiers: Orphanet 26106, MedGen C1708349, MONDO:0007648, OMIM 137215.
CDH1-related diffuse gastric and lobular breast cancer syndrome. Also called: CDH1-related diffuse gastric and lobular breast cancer. Identifiers: MedGen CN311521, MONDO:0100488.
Hereditary cancer-predisposing syndrome. Also called: Hereditary Cancer Syndrome; Hereditary neoplastic syndrome; Neoplastic Syndromes, Hereditary; Tumor predisposition. Identifiers: Orphanet 140162, MedGen C0027672, MeSH D009386, MONDO:0015356.

Submissions (3):

Clingen Gastric Cancer Variant Curation Expert Panel
Classification: Likely pathogenic for CDH1-related diffuse gastric and lobular breast cancer syndrome. Last evaluated: 2023-08-04. Review status: reviewed by expert panel. Criteria: ClinGen CDH1 ACMG Specifications V3.1. Collection method: curation. Allele origin: germline. Inheritance: Autosomal dominant inheritance.
Comment: The c.2505T>G (p.Tyr835Ter) variant results in a premature translational stop signal upstream of the most 3' well-characterized pathogenic variant c.2506G>T (p.Glu836Ter) in a region that is not predicted to undergo nonsense-mediated decay (PVS1_Strong, PM5_Supporting). It is absent in the gnomAD cohort (PM2_Supporting). In summary, this variant meets criteria to be classified as Likely Pathogenic based on the ACMG/AMP criteria applied as specified by the CDH1 Variant Curation Expert Panel: PVS1_Strong, PM2_Supporting, PM5_Supporting. (CDH1 VCEP specifications version 3.1; 03/27/2023)

Labcorp Genetics (formerly Invitae), Labcorp
Classification: Pathogenic for Hereditary diffuse gastric adenocarcinoma. Last evaluated: 2025-07-29. Review status: criteria provided, single submitter. Criteria: Invitae Variant Classification Sherloc (09022015). Collection method: clinical testing. Allele origin: germline. Not counted in ClinVar's aggregate classification.
Comment: This sequence change creates a premature translational stop signal (p.Tyr835*) in the CDH1 gene. While this is not anticipated to result in nonsense mediated decay, it is expected to disrupt the last 48 amino acid(s) of the CDH1 protein. This variant is not present in population databases (gnomAD no frequency). This variant has not been reported in the literature in individuals affected with CDH1-related conditions. ClinVar contains an entry for this variant (Variation ID: 921477). Experimental studies and prediction algorithms are not available or were not evaluated, and the functional significance of this variant is currently unknown. RNA analysis performed to evaluate the impact of this premature translational stop signal on mRNA splicing indicates it does not significantly alter splicing (internal data). This variant disrupts a region of the CDH1 protein in which other variant(s) (p.Glu836*) have been determined to be pathogenic (PMID: 29798843). This suggests that this is a clinically significant region of the protein, and that variants that disrupt it are likely to be disease-causing. For these reasons, this variant has been classified as Pathogenic.

Color Diagnostics, LLC DBA Color Health
Classification: Uncertain significance for Hereditary cancer-predisposing syndrome. Last evaluated: 2019-02-22. Review status: criteria provided, single submitter. Criteria: ACMG Guidelines, 2015. Collection method: clinical testing. Allele origin: germline. Not counted in ClinVar's aggregate classification.

Literature cited by the submitters: PubMed 29798843 (cited by Labcorp Genetics (formerly Invitae), Labcorp).